The following is an entry in ClinVar:

ClinVar aggregate classification (germline): Conflicting classifications of pathogenicity. Review status: criteria provided, conflicting classifications (1 of 4 stars). 3 submissions from 3 submitters: Uncertain significance (1); Likely benign (2). Last evaluated 2026-05-04.

Conditions:
RAB11A-related disorder. Also called: RAB11A-related condition.

Allele frequency attached by ClinVar (database versions not stated): ExAC 0.00006; gnomAD exomes 0.00006 and 0.00008; gnomAD 0.00007 and 0.00008; TOPMed 0.00010.
gnomAD v4.1: 101 of 1,590,768 alleles (0.0063%); highest among the groups gnomAD compares: South Asian, 0.0011%; no homozygotes.

Submissions (3):

PreventionGenetics, part of Exact Sciences
Classification: Likely benign for RAB11A-related condition. Last evaluated: 2026-05-04. Review status: criteria provided, single submitter. Criteria: ACMG Guidelines, 2015. Collection method: clinical testing. Allele origin: germline.
Comment: This variant is classified as likely benign based on ACMG/AMP sequence variant interpretation guidelines (Richards et al. 2015 PMID: 25741868, with internal and published modifications).

Labcorp Genetics (formerly Invitae), Labcorp
Classification: Likely benign. Last evaluated: 2025-12-22. Review status: criteria provided, single submitter. Criteria: Invitae Variant Classification Sherloc (09022015). Collection method: clinical testing. Allele origin: germline.

Ambry Genetics
Classification: Uncertain significance. Last evaluated: 2022-04-14. Review status: criteria provided, single submitter. Criteria: Ambry Variant Classification Scheme 2023. Collection method: clinical testing. Allele origin: germline.

NM_004663.5(RAB11A):c.488C>G (p.Ala163Gly)

Gene: RAB11A (RAB11A, member RAS oncogene family; plus strand). Cytogenetic location: 15q22.31.
Variant type: single nucleotide variant.
Coding change: c.488C>G on transcript NM_004663.5 (MANE Select); coding-DNA position 488, C replaced by G.
Protein change: p.Ala163Gly; replaces alanine 163 with glycine.
Molecular consequence: missense variant. On other transcripts: intron variant (1).
Genome position (GRCh38, 1-based): chr15:65,879,728, C>G. VCF-style: chr15-65879728-C-G. GRCh37 (hg19) VCF-style: chr15-66172066-C-G.
Other names: c.439+49C>G (NM_001206836.2); c.488C>G (NM_004663.4); short protein forms A163G.
Identifiers: ClinVar variation 1535624 (VCV001535624.10), dbSNP rs201908439, ClinGen allele CA7621613.